The following is an entry in ClinVar:

ClinVar aggregate classification (germline): Benign/Likely benign. Review status: criteria provided, multiple submitters, no conflicts (2 of 4 stars). 12 submissions from 12 submitters: Benign (6); Likely benign (4). 2 of the submissions do not count toward it. Last evaluated 2026-08-01.

Conditions:
Autoinflammatory syndrome. Identifiers: Orphanet 93665, MedGen C3890737, MONDO:0019751.
Pyogenic arthritis-pyoderma gangrenosum-acne syndrome (PAPA). Also called: PAPA SYNDROME; FAMILIAL RECURRENT ARTHRITIS. Identifiers: Orphanet 69126, MedGen C1858361, MONDO:0011462, OMIM 604416.

Allele frequency attached by ClinVar (database versions not stated): 1000 Genomes Project 30x 0.00156; 1000 Genomes Project 0.00180; TOPMed 0.00225; ESP Exome Variant Server 0.00237; gnomAD exomes 0.00244 and 0.00434; gnomAD 0.00259 and 0.00264; ExAC 0.00445.
gnomAD v4.1: 6,579 of 1,582,182 alleles (0.42%); highest among the groups gnomAD compares: Non-Finnish European, 0.5%; 20 homozygotes.

Submissions (12):

CeGaT Center for Human Genetics Tuebingen
Classification: Likely benign. Last evaluated: 2026-08-01. Review status: criteria provided, single submitter. Criteria: CeGaT Center For Human Genetics Tuebingen Variant Classification Criteria Version 2. Collection method: clinical testing. Allele origin: germline. Affected: yes. Observed: 15 variant alleles.
Comment: PSTPIP1: BP4, BP7, BS2

Labcorp Genetics (formerly Invitae), Labcorp
Classification: Benign for Pyogenic arthritis-pyoderma gangrenosum-acne syndrome. Last evaluated: 2026-02-01. Review status: criteria provided, single submitter. Criteria: Invitae Variant Classification Sherloc (09022015). Collection method: clinical testing. Allele origin: germline.

ARUP Laboratories, Molecular Genetics and Genomics, ARUP Laboratories
Classification: Benign for Pyogenic arthritis-pyoderma gangrenosum-acne syndrome. Last evaluated: 2025-01-27. Review status: criteria provided, single submitter. Criteria: ARUP Molecular Germline Variant Investigation Process 2024. Collection method: clinical testing. Allele origin: germline.

Mayo Clinic Laboratories, Mayo Clinic
Classification: Benign. Last evaluated: 2025-01-20. Review status: criteria provided, single submitter. Criteria: ACMG Guidelines, 2015. Collection method: clinical testing. Allele origin: germline. Observed: 6 variant alleles.
Comment: BS1, BS2, BP4, BP7

Blueprint Genetics
Classification: Likely benign. Last evaluated: 2024-11-19. Review status: criteria provided, single submitter. Criteria: ACMG Guidelines, 2015. Collection method: clinical testing. Allele origin: germline.

Genome Diagnostics Laboratory, The Hospital for Sick Children
Classification: Benign for Autoinflammatory syndrome. Last evaluated: 2021-02-26. Review status: criteria provided, single submitter. Criteria: ACMG Guidelines, 2015. Collection method: clinical testing. Allele origin: germline. Affected: yes.

Illumina Laboratory Services, Illumina
Classification: Benign for Pyogenic arthritis-pyoderma gangrenosum-acne syndrome. Last evaluated: 2018-01-12. Review status: criteria provided, single submitter. Criteria: ICSL Variant Classification Criteria 13 December 2019. Collection method: clinical testing. Allele origin: germline.
Comment: This variant was observed in the ICSL laboratory as part of a predisposition screen in an ostensibly healthy population. It had not been previously curated by ICSL or reported in the Human Gene Mutation Database (HGMD: prior to June 1st, 2018), and was therefore a candidate for classification through an automated scoring system. Utilizing variant allele frequency, disease prevalence and penetrance estimates, and inheritance mode, an automated score was calculated to assess if this variant is too frequent to cause the disease. Based on the score and internal cut-off values, a variant classified as benign is not then subjected to further curation. The score for this variant resulted in a classification of benign for this disease.

GeneDx
Classification: Benign. Last evaluated: 2015-03-03. Review status: criteria provided, single submitter. Criteria: GeneDx Variant Classification Process June 2021. Collection method: clinical testing. Allele origin: germline. Affected: yes.

Breakthrough Genomics
Classification: Likely benign. Review status: criteria provided, single submitter. Criteria: ACMG Guidelines, 2015. Collection method: not provided. Allele origin: germline. Inheritance: Autosomal dominant inheritance. Affected: yes.

PreventionGenetics, part of Exact Sciences
Classification: Likely benign. Review status: criteria provided, single submitter. Criteria: ACMG Guidelines, 2015. Collection method: clinical testing. Allele origin: germline.

Clinical Genetics DNA and cytogenetics Diagnostics Lab, Erasmus MC, Erasmus Medical Center
Classification: Likely benign. Review status: no assertion criteria provided. Collection method: clinical testing. Allele origin: germline. Affected: yes. Study: VKGL Data-share Consensus. Not counted in ClinVar's aggregate classification.

Genome Diagnostics Laboratory, University Medical Center Utrecht
Classification: Benign. Review status: no assertion criteria provided. Collection method: clinical testing. Allele origin: germline. Affected: yes. Study: VKGL Data-share Consensus. Not counted in ClinVar's aggregate classification.

NM_003978.5(PSTPIP1):c.147G>A (p.Ala49=)

Gene: PSTPIP1 (proline-serine-threonine phosphatase interacting protein 1; plus strand). Cytogenetic location: 15q24.3.
Variant type: single nucleotide variant.
Coding change: c.147G>A on transcript NM_003978.5 (MANE Select); coding-DNA position 147, G replaced by A.
Protein change: p.Ala49=; no amino-acid change (alanine 49 retained).
Molecular consequence: synonymous variant. On other transcripts: non-coding transcript variant (1).
Genome position (GRCh38, 1-based): chr15:77,018,466, G>A. VCF-style: chr15-77018466-G-A. GRCh37 (hg19) VCF-style: chr15-77310807-G-A.
Other names: p.Ala49=; c.147G>A, p.Ala49= (NM_001321135.2); c.120G>A, p.Ala40= (NM_001321136.2); c.342G>A, p.Ala114= (NM_001321137.1).
Identifiers: ClinVar variation 259208 (VCV000259208.57), dbSNP rs34618738, ClinGen allele CA7675723.